The following is an entry in ClinVar:

ClinVar aggregate classification (germline): Likely benign. Review status: criteria provided, multiple submitters, no conflicts (2 of 4 stars). 5 submissions from 5 submitters: Likely benign (5). Last evaluated 2026-02-03.

Conditions:
POLD1-related polyposis and colorectal cancer syndrome (CRCS10). Also called: Colorectal cancer 10; COLORECTAL CANCER, SUSCEPTIBILITY TO, ON CHROMOSOME 19q; Colorectal cancer, susceptibility to, 10. Identifiers: Orphanet 220460, MedGen C2675481, MONDO:0012953, OMIM 612591.

Allele frequency attached by ClinVar (database versions not stated): gnomAD 0.00003; TOPMed 0.00006; ExAC 0.00011; ESP Exome Variant Server 0.00017.
gnomAD v4.1: 60 of 1,548,382 alleles (0.0039%); highest among the groups gnomAD compares: Non-Finnish European, 0.0048%; no homozygotes.

Submissions (5):

Labcorp Genetics (formerly Invitae), Labcorp
Classification: Likely benign for POLD1-related polyposis and colorectal cancer syndrome. Last evaluated: 2026-02-03. Review status: criteria provided, single submitter. Criteria: Invitae Variant Classification Sherloc (09022015). Collection method: clinical testing. Allele origin: germline.

Center for Genomic Medicine, Rigshospitalet, Copenhagen University Hospital
Classification: Likely benign. Last evaluated: 2025-03-04. Review status: criteria provided, single submitter. Criteria: ACMG Guidelines, 2015. Collection method: clinical testing. Allele origin: germline.

ARUP Laboratories, Molecular Genetics and Genomics, ARUP Laboratories
Classification: Likely benign. Last evaluated: 2024-05-31. Review status: criteria provided, single submitter. Criteria: ARUP Molecular Germline Variant Investigation Process 2024. Collection method: clinical testing. Allele origin: germline.

Blueprint Genetics
Classification: Likely benign. Last evaluated: 2020-08-24. Review status: criteria provided, single submitter. Criteria: ACMG Guidelines, 2015. Collection method: clinical testing. Allele origin: germline.

GeneDx
Classification: Likely benign. Last evaluated: 2017-08-04. Review status: criteria provided, single submitter. Criteria: GeneDx Variant Classification (06012015). Collection method: clinical testing. Allele origin: germline. Affected: yes.
Comment: This variant is considered likely benign or benign based on one or more of the following criteria: it is a conservative change, it occurs at a poorly conserved position in the protein, it is predicted to be benign by multiple in silico algorithms, and/or has population frequency not consistent with disease.

NM_002691.4(POLD1):c.3068-12G>A

Gene: POLD1 (DNA polymerase delta 1, catalytic subunit; plus strand). Cytogenetic location: 19q13.33.
Variant type: single nucleotide variant.
Coding change: c.3068-12G>A on transcript NM_002691.4 (MANE Select); 12 bases into the intron before coding-DNA position 3068, G replaced by A.
Molecular consequence: intron variant.
Genome position (GRCh38, 1-based): chr19:50,417,033, G>A. VCF-style: chr19-50417033-G-A. GRCh37 (hg19) VCF-style: chr19-50920290-G-A.
Other names: c.3146-12G>A (LRG_785t2, NM_001308632.1); c.3068-12G>A (NM_001256849.1, LRG_785t1).
Identifiers: ClinVar variation 511322 (VCV000511322.14), dbSNP rs376581180, ClinGen allele CA9596741.